The following is an entry in ClinVar:

NM_001134831.2(AHI1):c.102del (p.Lys36fs)

Gene: AHI1 (Abelson helper integration site 1; minus strand). Cytogenetic location: 6q23.3.
Variant type: Deletion.
Coding change: c.102del on transcript NM_001134831.2 (MANE Select); coding-DNA position 102, one base deleted (G; older notation c.102delG).
Protein change: p.Lys36fs; shifts the reading frame from lysine 36.
Molecular consequence: frameshift variant.
Genome position (GRCh38, 1-based): chr6:135,490,656, C deleted on the plus strand (G on the coding strand, the reverse complement: AHI1 is on the minus strand). VCF-style (leftmost placement, unchanged base first): chr6-135490655-TC-T. GRCh37 (hg19) VCF-style: chr6-135811793-TC-T.
Other names: c.102del, p.Lys36fs (NM_001134830.2, NM_001134832.2, NM_001350503.2 and 2 more transcripts); short protein forms K36fs.
Identifiers: ClinVar variation 2711009 (VCV002711009.3), dbSNP rs2485334246, ClinGen allele CA2697553731.
Genomic context (GRCh38, chr6:135,490,655, plus strand): 5'-CACTATTACCCAATGATCATTTACTTACTGAGATGTTTTCTTCAGACCTGACAAGTTTTT[TC>T]TTCAGTTTTTTCTTTTCACGCATTAGATCACTGTGGGTCTTAAGCAATTCTTCAAAGCGA-3'

ClinVar aggregate classification (germline): Pathogenic (1 of 4 stars; one submission).

Conditions:
Joubert syndrome. Also called: CEREBELLOPARENCHYMAL DISORDER IV; JOUBERT-BOLTSHAUSER SYNDROME; Familial aplasia of the vermis. Identifiers: Orphanet 475, MedGen C5979921, MONDO:0018772.

Submission:

Labcorp Genetics (formerly Invitae), Labcorp
Classification: Pathogenic for Joubert syndrome. Last evaluated: 2024-01-24. Review status: criteria provided, single submitter. Criteria: Invitae Variant Classification Sherloc (09022015). Collection method: clinical testing. Allele origin: germline.
Comment: This sequence change creates a premature translational stop signal (p.Lys36Asnfs*21) in the AHI1 gene. It is expected to result in an absent or disrupted protein product. Loss-of-function variants in AHI1 are known to be pathogenic (PMID: 15322546, 16453322, 28442542, 29186038). This variant is not present in population databases (gnomAD no frequency). This variant has not been reported in the literature in individuals affected with AHI1-related conditions. For these reasons, this variant has been classified as Pathogenic.

Literature cited by the submitters: PubMed 15322546; PubMed 16453322; PubMed 28442542; PubMed 29186038.